The following is an entry in ClinVar:

ClinVar aggregate classification (germline): Pathogenic. Review status: criteria provided, multiple submitters, no conflicts (2 of 4 stars). 3 submissions from 3 submitters: Pathogenic (3). Last evaluated 2025-10-30.

Conditions:
Cholestanol storage disease (CTX). Also called: Cerebrotendinous Xanthomatosis; CTX: Cerebrotendinous xanthomatosis; CEREBRAL CHOLESTERINOSIS. Identifiers: Orphanet 909, MedGen C0238052, MONDO:0008948, OMIM 213700.

Submissions (3):

Natera, Inc.
Classification: Pathogenic for Cerebrotendinous xanthomatosis. Last evaluated: 2025-10-30. Review status: criteria provided, single submitter. Criteria: Natera Variant Classification Schema (03/2026). Collection method: clinical testing. Allele origin: germline.
Comment: The c.256-2A>G variant in CYP27A1 is a canonical splice acceptor site variant predicted to affect pre-mRNA splicing, which may result in an abnormal transcript and altered protein product. This variant is expected to result in nonsense mediated decay, truncation, or a dysfunctional protein product. This variant is rare in the general population with a frequency below the threshold expected for the associated phenotype(s). Another variant at this same site results in an alteration predicted to cause a similar molecular effect has been observed in individual(s) with the associated phenotype. Given the available evidence, this variant is classified as Pathogenic.

Labcorp Genetics (formerly Invitae), Labcorp
Classification: Pathogenic for Cholestanol storage disease. Last evaluated: 2021-07-21. Review status: criteria provided, single submitter. Criteria: Invitae Variant Classification Sherloc (09022015). Collection method: clinical testing. Allele origin: germline.
Comment: This variant is not present in population databases (ExAC no frequency). This sequence change affects an acceptor splice site in intron 1 of the CYP27A1 gene. It is expected to disrupt RNA splicing. Variants that disrupt the donor or acceptor splice site typically lead to a loss of protein function (PMID: 16199547), and loss-of-function variants in CYP27A1 are known to be pathogenic (PMID: 9392430, 10775536, 26937392). Disruption of this splice site has been observed in individual(s) with cerebrotendinous xanthomatosis (PMID: 25983621). ClinVar contains an entry for this variant (Variation ID: 598129). Algorithms developed to predict the effect of sequence changes on RNA splicing suggest that this variant may disrupt the consensus splice site. For these reasons, this variant has been classified as Pathogenic.

Eurofins Ntd Llc (ga)
Classification: Pathogenic. Last evaluated: 2018-07-24. Review status: criteria provided, single submitter. Criteria: EGL ClinVar v180209 classification definitions. Collection method: clinical testing. Allele origin: germline. Observed: 1 variant allele, 1 heterozygote.

Literature cited by the submitters: PubMed 16199547 (cited by Labcorp Genetics (formerly Invitae), Labcorp); PubMed 9392430 (cited by Labcorp Genetics (formerly Invitae), Labcorp); PubMed 10775536 (cited by Labcorp Genetics (formerly Invitae), Labcorp); PubMed 26937392 (cited by Labcorp Genetics (formerly Invitae), Labcorp); PubMed 25983621 (cited by Labcorp Genetics (formerly Invitae), Labcorp).

NM_000784.4(CYP27A1):c.256-2A>G

Gene: CYP27A1 (cytochrome P450 family 27 subfamily A member 1; plus strand). Cytogenetic location: 2q35.
Variant type: single nucleotide variant.
Coding change: c.256-2A>G on transcript NM_000784.4 (MANE Select); the canonical splice acceptor site of the intron before coding-DNA position 256, A replaced by G.
Molecular consequence: splice acceptor variant.
Genome position (GRCh38, 1-based): chr2:218,809,575, A>G. VCF-style: chr2-218809575-A-G. GRCh37 (hg19) VCF-style: chr2-219674298-A-G.
Other names: c.256-2A>G (NM_000784.3).
Identifiers: ClinVar variation 598129 (VCV000598129.11), dbSNP rs1559391390, ClinGen allele CA350582845.
Genomic context (GRCh38, chr2:218,809,575, plus strand): 5'-TCCTGTCCTGGGAGCACCTGCCCAGCTTGGCCCAGTTATTCAGTTTTGATTGAACTCCAC[A>G]GGTGCTTTACAAGGCCAAGTACGGTCCAATGTGGATGTCCTACTTAGGGCCTCAGATGCA-3'